The following is an entry in ClinVar:

NM_005216.5(DDOST):c.*3_*4dup

Gene: DDOST (dolichyl-diphosphooligosaccharide--protein glycosyltransferase non-catalytic subunit; minus strand). Cytogenetic location: 1p36.12.
Variant type: Duplication.
Coding change: c.*3_*4dup on transcript NM_005216.5 (MANE Select); 3 bases downstream of the stop codon through 4 bases downstream of the stop codon, 2 bases duplicated (GG; older notation c.*3_*4dupGG).
Molecular consequence: 3 prime UTR variant.
Genome position (GRCh38, 1-based): chr1:20,652,375-20,652,376, CC duplicated on the plus strand (GG on the coding strand, the reverse complement: DDOST is on the minus strand); duplicating any 2 consecutive bases within chr1:20,652,375-20,652,378 gives the same sequence; the c. name uses the placement nearest the transcript's 3' end. VCF-style (leftmost placement, unchanged base first): chr1-20652374-G-GCC. GRCh37 (hg19) VCF-style: chr1-20978867-G-GCC.
Identifiers: ClinVar variation 3058600 (VCV003058600.2), dbSNP rs748686232, ClinGen allele CA660959.
Genomic context (GRCh38, chr1:20,652,374, plus strand): 5'-CCACCAATCCTAATAACCCCCCTCCTTGCCCCGTCTCCACGCTGTGCGGAGAGGGCTCTA[G>GCC]CCCCTCAGTCGGACTTCTCCTTCTCCTTCATGTGCAAGAAGACGATGCTGAAGATGAAGA-3'

ClinVar aggregate classification (germline): Likely benign (0 of 4 stars; one submission).

Conditions:
DDOST-related disorder. Also called: DDOST-related condition.

Submission:

PreventionGenetics, part of Exact Sciences
Classification: Likely benign for DDOST-related condition. Last evaluated: 2019-03-20. Review status: no assertion criteria provided. Collection method: clinical testing. Allele origin: germline.
Comment: This variant is classified as likely benign based on ACMG/AMP sequence variant interpretation guidelines (Richards et al. 2015 PMID: 25741868, with internal and published modifications).